The following is an entry in ClinVar:

ClinVar aggregate classification (germline): Uncertain significance (1 of 4 stars; one submission).

Conditions:
Von Hippel-Lindau syndrome (VHLS). Also called: Von Hippel-Lindau; von Hippel–Lindau syndrome; VHL syndrome. Identifiers: Orphanet 892, MedGen C0019562, MONDO:0008667, OMIM 193300. Disease mechanism: loss of function.
Chuvash polycythemia. Also called: POLYCYTHEMIA, VHL-DEPENDENT. Identifiers: Orphanet 238557, MedGen C1837915, MONDO:0009892, OMIM 263400.

Submission:

Labcorp Genetics (formerly Invitae), Labcorp
Classification: Uncertain significance for Von Hippel-Lindau syndrome; Chuvash polycythemia. Last evaluated: 2020-01-15. Review status: criteria provided, single submitter. Criteria: Invitae Variant Classification Sherloc (09022015). Collection method: clinical testing. Allele origin: germline.
Comment: This variant has been observed in an individual with clinical features of von Hippel-Lindau syndrome (PMID: 18031321). In summary, the available evidence is currently insufficient to determine the role of this variant in disease. Therefore, it has been classified as a Variant of Uncertain Significance. This variant disrupts the p.198 amino acid residue in VHL. Other variant that disrupt this residue have been observed in individuals with VHL-related conditions (PMID: 24555745, 27539324), which suggests that this may be a clinically significant amino acid residue. Algorithms developed to predict the effect of missense changes on protein structure and function (SIFT, PolyPhen-2, Align-GVGD) all suggest that this variant is likely to be tolerated, but these predictions have not been confirmed by published functional studies and their clinical significance is uncertain. This variant is not present in population databases (ExAC no frequency). This sequence change replaces leucine with valine at codon 198 of the VHL protein (p.Leu198Val). The leucine residue is moderately conserved and there is a small physicochemical difference between leucine and valine.

Literature cited by the submitters: PubMed 18031321; PubMed 24555745; PubMed 27539324.

NM_000551.4(VHL):c.592C>G (p.Leu198Val)

Genes: VHL (von Hippel-Lindau tumor suppressor; plus strand), LOC107303340 (3p25 von Hippel-Lindau tumor suppressor, E3 ubiquitin protein ligase Alu-mediated recombination region; plus strand). Cytogenetic location: 3p25.3.
Variant type: single nucleotide variant.
Coding change: c.592C>G on transcript NM_000551.4 (MANE Select); coding-DNA position 592, C replaced by G.
Protein change: p.Leu198Val; replaces leucine 198 with valine.
Molecular consequence: missense variant. On other transcripts: 3 prime UTR variant (1).
Genome position (GRCh38, 1-based): chr3:10,149,915, C>G. VCF-style: chr3-10149915-C-G. GRCh37 (hg19) VCF-style: chr3-10191599-C-G.
Other names: c.*146C>G (NM_001354723.2); c.469C>G, p.Leu157Val (NM_198156.3); short protein forms L157V, L198V.
Identifiers: ClinVar variation 1023632 (VCV001023632.9), dbSNP rs1187217673, ClinGen allele CA351756542.